The following is an entry in ClinVar:

NM_001372044.2(SHANK3):c.3401G>A (p.Gly1134Glu)

Gene: SHANK3 (SH3 and multiple ankyrin repeat domains 3; plus strand). Cytogenetic location: 22q13.33.
Variant type: single nucleotide variant.
Coding change: c.3401G>A on transcript NM_001372044.2 (MANE Select); coding-DNA position 3401, G replaced by A.
Protein change: p.Gly1134Glu; replaces glycine 1134 with glutamic acid.
Molecular consequence: missense variant.
Genome position (GRCh38, 1-based): chr22:50,721,009, G>A. VCF-style: chr22-50721009-G-A. GRCh37 (hg19) VCF-style: chr22-51159437-G-A.
Other names: c.3176G>A, p.Gly1059Glu (NM_033517.1); short protein forms G1059E, G1134E.
Identifiers: ClinVar variation 2442431 (VCV002442431.4), dbSNP rs2518427180, ClinGen allele CA515260911.

ClinVar aggregate classification (germline): Likely benign (1 of 4 stars; one submission).

Submission:

GeneDx
Classification: Likely benign. Last evaluated: 2023-10-09. Review status: criteria provided, single submitter. Criteria: GeneDx Variant Classification Process June 2021. Collection method: clinical testing. Allele origin: germline. Affected: yes.
Comment: In silico analysis supports that this missense variant does not alter protein structure/function; Not observed at significant frequency in large population cohorts (gnomAD); Has not been previously published as pathogenic or benign to our knowledge